The following is an entry in ClinVar:

NM_002473.6(MYH9):c.2619G>A (p.Thr873=)

Gene: MYH9 (myosin heavy chain 9; minus strand). Cytogenetic location: 22q12.3.
Variant type: single nucleotide variant.
Coding change: c.2619G>A on transcript NM_002473.6 (MANE Select); coding-DNA position 2619, G replaced by A.
Protein change: p.Thr873=; no amino-acid change (threonine 873 retained).
Molecular consequence: synonymous variant.
Genome position (GRCh38, 1-based): chr22:36,301,546, C>T on the plus strand (G>A on the coding strand, the complement: MYH9 is on the minus strand). VCF-style: chr22-36301546-C-T. GRCh37 (hg19) VCF-style: chr22-36697592-C-T.
Identifiers: ClinVar variation 3048299 (VCV003048299.2), dbSNP rs1304272556, ClinGen allele CA514358790.

ClinVar aggregate classification (germline): Likely benign (0 of 4 stars; one submission).

Conditions:
MYH9-related disorder. Identifiers: MedGen C1854520.

Allele frequency attached by ClinVar (database versions not stated): gnomAD 0.00001.
gnomAD v4.1: 7 of 1,613,540 alleles (0.00043%); highest among the groups gnomAD compares: Admixed American, 0.0083%; no homozygotes.

Submission:

PreventionGenetics, part of Exact Sciences
Classification: Likely benign for MYH9-related condition. Last evaluated: 2022-10-03. Review status: no assertion criteria provided. Collection method: clinical testing. Allele origin: germline.
Comment: This variant is classified as likely benign based on ACMG/AMP sequence variant interpretation guidelines (Richards et al. 2015 PMID: 25741868, with internal and published modifications).